The following is an entry in ClinVar:

NM_000123.4(ERCC5):c.2837del (p.Gly946fs)

Genes: BIVM-ERCC5 (BIVM-ERCC5 readthrough; plus strand), ERCC5 (ERCC excision repair 5, endonuclease; plus strand). Cytogenetic location: 13q33.1.
Variant type: Deletion.
Coding change: c.2837del on transcript NM_000123.4 (MANE Select); coding-DNA position 2837, one base deleted (G; older notation c.2837delG).
Protein change: p.Gly946fs; shifts the reading frame from glycine 946.
Molecular consequence: frameshift variant.
Genome position (GRCh38, 1-based): chr13:102,872,356, G deleted; the last of 3 consecutive G bases (chr13:102,872,354-102,872,356); deleting any one gives the same sequence. VCF-style (leftmost placement, unchanged base first): chr13-102872353-AG-A. GRCh37 (hg19) VCF-style: chr13-103524703-AG-A.
Other names: c.4199del, p.Gly1400fs (NM_001204425.2); short protein forms G1400fs, G946fs.
Identifiers: ClinVar variation 4853928 (VCV004853928.1).
Genomic context (GRCh38, chr13:102,872,353, plus strand): 5'-CTGGCTTTCCTAACCCAGCTGTTGCCGAGGCCTACCTCAAACCCGTGGTGGATGACTCGA[AG>A]GGATCCTTTCTGTGGGGGAAACCTGATCTCGACAAAATTAGAGAATATCCTTTGCTTCTT-3'

ClinVar aggregate classification (germline): Pathogenic (1 of 4 stars; one submission).

Conditions:
Cerebrooculofacioskeletal syndrome 3 (COFS3). Identifiers: MedGen C1851443, MONDO:0014696, OMIM 616570.

Submission:

3billion
Classification: Pathogenic for Cerebrooculofacioskeletal syndrome 3. Last evaluated: 2025-10-06. Review status: criteria provided, single submitter. Criteria: ACMG Guidelines, 2015. Collection method: clinical testing. Allele origin: germline. Affected: yes.
Comment: The variant is observed at an extremely low frequency in the gnomAD v4.1.0 dataset (total allele frequency: <0.001%). Predicted Consequence/Location: Frameshift: predicted to result in a loss or disruption of normal protein function through nonsense-mediated decay (NMD) or protein truncation. Multiple pathogenic variants are reported downstream of the variant. Therefore, this variant is classified as Pathogenic according to the recommendation of ACMG/AMP guideline.